The following is an entry in ClinVar:

ClinVar aggregate classification (germline): Likely benign (1 of 4 stars; one submission).

Allele frequency attached by ClinVar (database versions not stated): 1000 Genomes Project 30x 0.00016; TOPMed 0.00071; gnomAD 0.00120 and 0.00121.
gnomAD v4.1: 179 of 151,946 alleles (0.12%); highest among the groups gnomAD compares: Non-Finnish European, 0.22%; 2 homozygotes.

Submission:

CeGaT Center for Human Genetics Tuebingen
Classification: Likely benign. Last evaluated: 2026-08-01. Review status: criteria provided, single submitter. Criteria: CeGaT Center For Human Genetics Tuebingen Variant Classification Criteria Version 2. Collection method: clinical testing. Allele origin: germline. Affected: yes. Observed: 34 variant alleles.
Comment: RET: BS1

NM_020975.6(RET):c.2136+272G>A

Gene: RET (ret proto-oncogene; plus strand). Cytogenetic location: 10q11.21.
Variant type: single nucleotide variant.
Coding change: c.2136+272G>A on transcript NM_020975.6 (MANE Select); 272 bases into the intron after coding-DNA position 2136, G replaced by A.
Molecular consequence: intron variant.
Genome position (GRCh38, 1-based): chr10:43,115,008, G>A. VCF-style: chr10-43115008-G-A. GRCh37 (hg19) VCF-style: chr10-43610456-G-A.
Other names: c.2136+272G>A (NM_020630.7, NM_001406743.1, NM_001406744.1 and 2 more transcripts); c.2001+272G>A (NM_001406765.1, NM_001406763.1); c.1740+272G>A (NM_001406772.1, NM_001406769.1); c.1698+272G>A (NM_001406773.1, NM_001406771.1); c.1239+272G>A (NM_001406782.1, NM_001406780.1, NM_001406779.1 and 1 more transcripts); c.1104+272G>A (NM_001406787.1); c.1119+272G>A (NM_001406785.1); c.2007+272G>A (NM_001406764.1, NM_001406762.1, NM_001406761.1); and 10 more.
Identifiers: ClinVar variation 1694560 (VCV001694560.31), dbSNP rs768973064, ClinGen allele CA206263084.